The following is an entry in ClinVar:

NM_004456.5(EZH2):c.241A>G (p.Arg81Gly)

Gene: EZH2 (enhancer of zeste 2 polycomb repressive complex 2 subunit; minus strand). Cytogenetic location: 7q36.1.
Variant type: single nucleotide variant.
Coding change: c.241A>G on transcript NM_004456.5 (MANE Select); coding-DNA position 241, A replaced by G.
Protein change: p.Arg81Gly; replaces arginine 81 with glycine.
Molecular consequence: missense variant. On other transcripts: intron variant (2).
Genome position (GRCh38, 1-based): chr7:148,846,475, T>C on the plus strand (A>G on the coding strand, the complement: EZH2 is on the minus strand). VCF-style: chr7-148846475-T-C. GRCh37 (hg19) VCF-style: chr7-148543567-T-C.
Other names: c.241A>G, p.Arg81Gly (NM_001203247.2, NM_152998.3); c.219+22A>G (NM_001203248.2, NM_001203249.2); short protein forms R81G.
Identifiers: ClinVar variation 2885525 (VCV002885525.3), dbSNP rs765980265, ClinGen allele CA4548187.

ClinVar aggregate classification (germline): Uncertain significance (1 of 4 stars; one submission).

Conditions:
Weaver syndrome (WVS). Also called: Weaver Smith syndrome; Overgrowth syndrome with accelerated skeletal maturation, unusual facies, and camptodactyly. Identifiers: Orphanet 3447, MedGen C0265210, MONDO:0010193, OMIM 277590.

Allele frequency attached by ClinVar (database versions not stated): gnomAD exomes below 0.00001; ExAC 0.00001.
gnomAD v4.1: 2 of 1,613,250 alleles (0.00012%); highest among the groups gnomAD compares: Admixed American, 0.0017%; no homozygotes.

Submission:

Labcorp Genetics (formerly Invitae), Labcorp
Classification: Uncertain significance for Weaver syndrome. Last evaluated: 2023-08-07. Review status: criteria provided, single submitter. Criteria: Invitae Variant Classification Sherloc (09022015). Collection method: clinical testing. Allele origin: germline.
Comment: This sequence change replaces arginine, which is basic and polar, with glycine, which is neutral and non-polar, at codon 81 of the EZH2 protein (p.Arg81Gly). This variant is present in population databases (rs765980265, gnomAD 0.003%). This variant has not been reported in the literature in individuals affected with EZH2-related conditions. Advanced modeling of protein sequence and biophysical properties (such as structural, functional, and spatial information, amino acid conservation, physicochemical variation, residue mobility, and thermodynamic stability) performed at Invitae indicates that this missense variant is not expected to disrupt EZH2 protein function. In summary, the available evidence is currently insufficient to determine the role of this variant in disease. Therefore, it has been classified as a Variant of Uncertain Significance.